The following is an entry in ClinVar:

ClinVar aggregate classification (germline): Benign/Likely benign. Review status: criteria provided, multiple submitters, no conflicts (2 of 4 stars). 2 submissions from 2 submitters: Benign (1); Likely benign (1). Last evaluated 2026-04-01.

Conditions:
ANK3-related disorder. Also called: ANK3-related condition.

gnomAD v4.1: 1,423 of 1,614,070 alleles (0.088%); highest among the groups gnomAD compares: South Asian, 1.5%; 18 homozygotes.

Submissions (2):

CeGaT Center for Human Genetics Tuebingen
Classification: Benign. Last evaluated: 2026-04-01. Review status: criteria provided, single submitter. Criteria: CeGaT Center For Human Genetics Tuebingen Variant Classification Criteria Version 2. Collection method: clinical testing. Allele origin: germline. Affected: yes. Observed: 2 variant alleles.
Comment: ANK3: BP4, BS1, BS2

PreventionGenetics, part of Exact Sciences
Classification: Likely benign for ANK3-related condition. Last evaluated: 2024-11-06. Review status: criteria provided, single submitter. Criteria: ACMG Guidelines, 2015. Collection method: clinical testing. Allele origin: germline.
Comment: This variant is classified as likely benign based on ACMG/AMP sequence variant interpretation guidelines (Richards et al. 2015 PMID: 25741868, with internal and published modifications).

NM_020987.5(ANK3):c.12596-317G>T

Gene: ANK3 (ankyrin 3; minus strand). Cytogenetic location: 10q21.2.
Variant type: single nucleotide variant.
Coding change: c.12596-317G>T on transcript NM_020987.5 (MANE Select); 317 bases into the intron before coding-DNA position 12596, G replaced by T.
Molecular consequence: intron variant. On other transcripts: missense variant (4).
Genome position (GRCh38, 1-based): chr10:60,059,747, C>A on the plus strand (G>T on the coding strand, the complement: ANK3 is on the minus strand). VCF-style: chr10-60059747-C-A. GRCh37 (hg19) VCF-style: chr10-61819505-C-A.
Other names: c.5019G>T (NM_001204404.1); c.5019G>T, p.Met1673Ile (NM_001204404.2); c.5016G>T, p.Met1672Ile (NM_001320874.2); c.2418G>T, p.Met806Ile (NM_001149.4); c.4998G>T, p.Met1666Ile (NM_001204403.2); short protein forms M1666I, M1672I, M1673I, M806I.
Identifiers: ClinVar variation 4873086 (VCV004873086.3).